The following is an entry in ClinVar:

ClinVar aggregate classification (germline): Uncertain significance (1 of 4 stars; one submission).

Submission:

Labcorp Genetics (formerly Invitae), Labcorp
Classification: Uncertain significance. Last evaluated: 2025-11-27. Review status: criteria provided, single submitter. Criteria: Invitae Variant Classification Sherloc (09022015). Collection method: clinical testing. Allele origin: germline.
Comment: This sequence change replaces asparagine, which is neutral and polar, with aspartic acid, which is acidic and polar, at codon 282 of the POLE2 protein (p.Asn282Asp). This variant is not present in population databases (gnomAD no frequency). This variant has not been reported in the literature in individuals affected with POLE2-related conditions. An algorithm developed to predict the effect of missense changes on protein structure and function (PolyPhen-2) suggests that this variant is likely to be tolerated. In summary, the available evidence is currently insufficient to determine the role of this variant in disease. Therefore, it has been classified as a Variant of Uncertain Significance.

NM_002692.4(POLE2):c.844A>G (p.Asn282Asp)

Gene: POLE2 (DNA polymerase epsilon 2, accessory subunit; minus strand). Cytogenetic location: 14q21.3.
Variant type: single nucleotide variant.
Coding change: c.844A>G on transcript NM_002692.4 (MANE Select); coding-DNA position 844, A replaced by G.
Protein change: p.Asn282Asp; replaces asparagine 282 with aspartic acid.
Molecular consequence: missense variant.
Genome position (GRCh38, 1-based): chr14:49,655,755, T>C on the plus strand (A>G on the coding strand, the complement: POLE2 is on the minus strand). VCF-style: chr14-49655755-T-C. GRCh37 (hg19) VCF-style: chr14-50122473-T-C.
Other names: c.766A>G, p.Asn256Asp (NM_001197330.2); c.844A>G, p.Asn282Asp (NM_001197331.3, NM_001348384.2); c.613A>G, p.Asn205Asp (NM_001348385.2); short protein forms N256D, N205D, N282D.
Identifiers: ClinVar variation 4722090 (VCV004722090.1).